The following is an entry in ClinVar:

ClinVar aggregate classification (germline): Uncertain significance (1 of 4 stars; one submission).

Submission:

Labcorp Genetics (formerly Invitae), Labcorp
Classification: Uncertain significance. Last evaluated: 2025-10-13. Review status: criteria provided, single submitter. Criteria: Invitae Variant Classification Sherloc (09022015). Collection method: clinical testing. Allele origin: germline.
Comment: This sequence change creates a premature translational stop signal (p.His3774Argfs*3) in the HMCN1 gene. It is expected to result in an absent or disrupted protein product. However, the current clinical and genetic evidence is not sufficient to establish whether loss-of-function variants in HMCN1 cause disease. This variant is not present in population databases (gnomAD no frequency). This variant has not been reported in the literature in individuals affected with HMCN1-related conditions. In summary, the available evidence is currently insufficient to determine the role of this variant in disease. Therefore, it has been classified as a Variant of Uncertain Significance.

NM_031935.3(HMCN1):c.11321_11322del (p.His3774fs)

Gene: HMCN1 (hemicentin 1; plus strand). Cytogenetic location: 1q31.1.
Variant type: Deletion.
Coding change: c.11321_11322del on transcript NM_031935.3 (MANE Select); coding-DNA positions 11321 to 11322, 2 bases deleted (AT; older notation c.11321_11322delAT).
Protein change: p.His3774fs; shifts the reading frame from histidine 3774.
Molecular consequence: frameshift variant.
Genome position (GRCh38, 1-based): chr1:186,114,863-186,114,864, AT deleted. VCF-style (leftmost placement, unchanged base first): chr1-186114862-CAT-C. GRCh37 (hg19) VCF-style: chr1-186083994-CAT-C.
Other names: short protein forms H3774fs.
Identifiers: ClinVar variation 4744009 (VCV004744009.1).